The following is an entry in ClinVar:

ClinVar aggregate classification (germline): Likely pathogenic (1 of 4 stars; one submission).

Conditions:
Spondylocostal dysostosis 1, autosomal recessive (SCDO1). Also called: DLL3-Related Spondylocostal Dysostosis, Autosomal Recessive. Identifiers: Orphanet 2311, MedGen CN032975, MONDO:0020692, OMIM 277300.

gnomAD v4.1: 7 of 1,526,758 alleles (0.00046%); highest among the groups gnomAD compares: South Asian, 0.0084%; no homozygotes.

Submission:

Greenwood Genetic Center Diagnostic Laboratories, Greenwood Genetic Center
Classification: Likely pathogenic for Spondylocostal dysostosis 1, autosomal recessive. Last evaluated: 2023-05-23. Review status: criteria provided, single submitter. Criteria: ACMG Guidelines, 2015. Collection method: clinical testing. Allele origin: germline. Affected: yes.
Comment: PM1, PM2, PM3, PP3

NM_203486.3(DLL3):c.1312T>A (p.Cys438Ser)

Gene: DLL3 (delta like canonical Notch ligand 3; plus strand). Cytogenetic location: 19q13.2.
Variant type: single nucleotide variant.
Coding change: c.1312T>A on transcript NM_203486.3 (MANE Select); coding-DNA position 1312, T replaced by A.
Protein change: p.Cys438Ser; replaces cysteine 438 with serine.
Molecular consequence: missense variant.
Genome position (GRCh38, 1-based): chr19:39,507,257, T>A. VCF-style: chr19-39507257-T-A. GRCh37 (hg19) VCF-style: chr19-39997897-T-A.
Other names: c.1312T>A, p.Cys438Ser (NM_016941.4); short protein forms C438S.
Identifiers: ClinVar variation 2572235 (VCV002572235.1), dbSNP rs888371213, ClinGen allele CA308227320.